The following is an entry in ClinVar:

ClinVar aggregate classification (germline): Pathogenic (1 of 4 stars; one submission).

Conditions:
Hereditary cancer-predisposing syndrome. Also called: Tumor predisposition; Hereditary neoplastic syndrome; Neoplastic Syndromes, Hereditary; Hereditary Cancer Syndrome. Identifiers: Orphanet 140162, MedGen C0027672, MeSH D009386, MONDO:0015356.

Submission:

Ambry Genetics
Classification: Pathogenic for Hereditary cancer-predisposing syndrome. Last evaluated: 2025-04-02. Review status: criteria provided, single submitter. Criteria: Ambry Variant Classification Scheme 2023. Collection method: clinical testing. Allele origin: germline.
Comment: The c.5251delC pathogenic mutation, located in coding exon 18 of the BRCA1 gene, results from a deletion of one nucleotide at nucleotide position 5251, causing a translational frameshift with a predicted alternate stop codon (p.R1751Efs*14). This variant is considered to be rare based on population cohorts in the Genome Aggregation Database (gnomAD). This alteration is expected to result in loss of function by premature protein truncation or nonsense-mediated mRNA decay. As such, this alteration is interpreted as a disease-causing mutation.

NM_007294.4(BRCA1):c.5251del (p.Arg1751fs)

Gene: BRCA1 (BRCA1 DNA repair associated; minus strand). Cytogenetic location: 17q21.31.
Variant type: Deletion.
Coding change: c.5251del on transcript NM_007294.4 (MANE Select); coding-DNA position 5251, one base deleted (C; older notation c.5251delC).
Protein change: p.Arg1751fs; shifts the reading frame from arginine 1751.
Molecular consequence: frameshift variant.
Genome position (GRCh38, 1-based): chr17:43,057,078, G deleted on the plus strand (C on the coding strand, the reverse complement: BRCA1 is on the minus strand). VCF-style (leftmost placement, unchanged base first): chr17-43057077-CG-C. GRCh37 (hg19) VCF-style: chr17-41209094-CG-C.
Other names: c.5110del, p.Arg1704fs (NM_001407695.1, NM_001407696.1, NM_001407697.1 and 13 more transcripts); c.4981del, p.Arg1661fs (NM_001407936.1, NM_001407934.1, NM_001407935.1); c.5128del, p.Arg1710fs (NM_001407937.1, NM_001407938.1, NM_001407919.1 and 6 more transcripts); c.5125del, p.Arg1709fs (NM_001407939.1, NM_001407940.1, NM_001407670.1 and 10 more transcripts); c.5107del, p.Arg1703fs (NM_001407944.1, NM_001407943.1, NM_001407945.1 and 21 more transcripts); c.5122del, p.Arg1708fs (NM_001407941.1, NM_001407688.1, NM_001407689.1 and 6 more transcripts); c.4918del, p.Arg1640fs (NM_001407946.1, NM_001407947.1, NM_001407948.1 and 1 more transcripts); c.4915del, p.Arg1639fs (NM_001407950.1, NM_001407951.1, NM_001407952.1 and 3 more transcripts); and 72 more; short protein forms R1454fs, R1455fs, R1582fs, R1623fs, R1638fs, R1680fs, R1731fs, R1732fs.
Identifiers: ClinVar variation 3992584 (VCV003992584.1).
Genomic context (GRCh38, chr17:43,057,077, plus strand): 5'-TGAGATTTTTGTCAACTTGAGGGAGGGAGCTTTACCTTTCTGTCCTGGGATTCTCTTGCT[CG>C]CTTTGGACCTTGGTGGTTTCTTCCATTGACCACATCTCCTCTGACTTCAAAATCATGCTG-3'